The following is an entry in ClinVar:

ClinVar aggregate classification (germline): Likely pathogenic (1 of 4 stars; one submission).

Conditions:
Developmental and epileptic encephalopathy, 1 (DEE1). Also called: OHTAHARA SYNDROME, X-LINKED; INFANTILE SPASM SYNDROME, X-LINKED 1; X-linked infantile spasms; West's syndrome; Tonic spasms with clustering, arrest of psychomotor development and hypsarrhythmia on EEG; X-Linked Infantile Spasm Syndrome. Identifiers: MedGen C3463992, MONDO:0010632, OMIM 308350. Disease mechanism: loss of function.
Intellectual disability, X-linked, with or without seizures, ARX-related. Also called: INTELLECTUAL DEVELOPMENTAL DISORDER, X-LINKED 29; MENTAL RETARDATION, X-LINKED 29; MENTAL RETARDATION, X-LINKED 32; MENTAL RETARDATION, X-LINKED 33; MENTAL RETARDATION, X-LINKED 38; MENTAL RETARDATION, X-LINKED 43. Identifiers: Orphanet 777, MedGen C0796244, MONDO:0010317, OMIM 300419.

Submission:

Labcorp Genetics (formerly Invitae), Labcorp
Classification: Likely pathogenic for Developmental and epileptic encephalopathy, 1; Intellectual disability, X-linked, with or without seizures, ARX-related. Last evaluated: 2021-08-09. Review status: criteria provided, single submitter. Criteria: Invitae Variant Classification Sherloc (09022015). Collection method: clinical testing. Allele origin: germline.
Comment: In summary, the currently available evidence indicates that the variant is pathogenic, but additional data are needed to prove that conclusively. Therefore, this variant has been classified as Likely Pathogenic. This variant disrupts the p.Ala539 amino acid residue in ARX. Other variant(s) that disrupt this residue have been observed in individuals with ARX-related conditions (PMID: 28174645, Invitae), which suggests that this may be a clinically significant amino acid residue. Advanced modeling of protein sequence and biophysical properties (such as structural, functional, and spatial information, amino acid conservation, physicochemical variation, residue mobility, and thermodynamic stability) performed at Invitae indicates that this missense variant is expected to disrupt ARX protein function. This variant has been observed in individual(s) with clinical features of developmental and epileptic encephalopathy (Invitae). The frequency data for this variant in the population databases is considered unreliable, as metrics indicate insufficient coverage at this position in the ExAC database. This sequence change replaces alanine with threonine at codon 539 of the ARX protein (p.Ala539Thr). The alanine residue is highly conserved and there is a small physicochemical difference between alanine and threonine.

Literature cited by the submitters: PubMed 28174645.

NM_139058.3(ARX):c.1615G>A (p.Ala539Thr)

Gene: ARX (aristaless related homeobox; minus strand). Cytogenetic location: Xp21.3.
Variant type: single nucleotide variant.
Coding change: c.1615G>A on transcript NM_139058.3 (MANE Select); coding-DNA position 1615, G replaced by A.
Protein change: p.Ala539Thr; replaces alanine 539 with threonine.
Molecular consequence: missense variant.
Genome position (GRCh38, 1-based): chrX:25,004,744, C>T on the plus strand (G>A on the coding strand, the complement: ARX is on the minus strand). VCF-style: chrX-25004744-C-T. GRCh37 (hg19) VCF-style: chrX-25022861-C-T.
Other names: short protein forms A539T.
Identifiers: ClinVar variation 1516361 (VCV001516361.8), dbSNP rs2147318633, ClinGen allele CA412610645.
Genomic context (GRCh38, chrX:25,004,744, plus strand): 5'-TGCCCGTGCTGGTGCCCGGCAGGATGTTGAGCTGCGTGAGCTGCGCCGCGTGCTCCTTGG[C>T]CTTGAGCCTCAGCGCGGCTATGCTAGAGGCGCGTCTGTCTGCGGCCGCCGTGGCCGGGTC-3'
Protein context (NP_620689.1, residues 529-549): ASSIAALRLK[Ala539Thr]KEHAAQLTQL